The following is an entry in ClinVar:

ClinVar aggregate classification (germline): Uncertain significance (1 of 4 stars; one submission).

Conditions:
Nephronophthisis 14 (NPHP14). Identifiers: Orphanet 2318, MedGen C3539071, MONDO:0013916, OMIM 614844.

Allele frequency attached by ClinVar (database versions not stated): TOPMed 0.00002.
gnomAD v4.1: 11 of 1,614,112 alleles (0.00068%); highest among the groups gnomAD compares: East Asian, 0.0045%; no homozygotes.

Submission:

Labcorp Genetics (formerly Invitae), Labcorp
Classification: Uncertain significance for Nephronophthisis 14. Last evaluated: 2022-06-20. Review status: criteria provided, single submitter. Criteria: Invitae Variant Classification Sherloc (09022015). Collection method: clinical testing. Allele origin: germline.
Comment: In summary, the available evidence is currently insufficient to determine the role of this variant in disease. Therefore, it has been classified as a Variant of Uncertain Significance. Algorithms developed to predict the effect of missense changes on protein structure and function (SIFT, PolyPhen-2, Align-GVGD) all suggest that this variant is likely to be tolerated. ClinVar contains an entry for this variant (Variation ID: 1058891). This variant has not been reported in the literature in individuals affected with ZNF423-related conditions. This variant is present in population databases (no rsID available, gnomAD 0.004%). This sequence change replaces arginine, which is basic and polar, with glutamine, which is neutral and polar, at codon 392 of the ZNF423 protein (p.Arg392Gln).

NM_001379286.1(ZNF423):c.1199G>A (p.Arg400Gln)

Gene: ZNF423 (zinc finger protein 423; minus strand). Cytogenetic location: 16q12.1.
Variant type: single nucleotide variant.
Coding change: c.1199G>A on transcript NM_001379286.1 (MANE Select); coding-DNA position 1199, G replaced by A.
Protein change: p.Arg400Gln; replaces arginine 400 with glutamine.
Molecular consequence: missense variant.
Genome position (GRCh38, 1-based): chr16:49,637,977, C>T on the plus strand (G>A on the coding strand, the complement: ZNF423 is on the minus strand). VCF-style: chr16-49637977-C-T. GRCh37 (hg19) VCF-style: chr16-49671888-C-T.
Other names: c.995G>A, p.Arg332Gln (NM_001271620.2); c.824G>A, p.Arg275Gln (NM_001330533.2); c.1175G>A, p.Arg392Gln (NM_015069.5); short protein forms R275Q, R332Q, R392Q, R400Q.
Identifiers: ClinVar variation 1058891 (VCV001058891.8), dbSNP rs574135774, ClinGen allele CA395850123.